The following is an entry in ClinVar:

ClinVar aggregate classification (germline): Uncertain significance (1 of 4 stars; one submission).

Conditions:
Nemaline myopathy 2 (NEM2). Also called: Nemaline myopathy 2, autosomal recessive. Identifiers: MedGen C1850569, MONDO:0009725, OMIM 256030.

Allele frequency attached by ClinVar (database versions not stated): gnomAD exomes 0.00001; TOPMed 0.00001.
gnomAD v4.1: 10 of 1,560,988 alleles (0.00064%); highest among the groups gnomAD compares: East Asian, 0.0023%; no homozygotes.

Submission:

Labcorp Genetics (formerly Invitae), Labcorp
Classification: Uncertain significance for Nemaline myopathy 2. Last evaluated: 2022-05-03. Review status: criteria provided, single submitter. Criteria: Invitae Variant Classification Sherloc (09022015). Collection method: clinical testing. Allele origin: germline.
Comment: This variant is not present in population databases (gnomAD no frequency). This sequence change replaces lysine, which is basic and polar, with glutamic acid, which is acidic and polar, at codon 8232 of the NEB protein (p.Lys8232Glu). This variant has not been reported in the literature in individuals affected with NEB-related conditions. In summary, the available evidence is currently insufficient to determine the role of this variant in disease. Therefore, it has been classified as a Variant of Uncertain Significance. Algorithms developed to predict the effect of sequence changes on RNA splicing suggest that this variant may create or strengthen a splice site. Algorithms developed to predict the effect of missense changes on protein structure and function are either unavailable or do not agree on the potential impact of this missense change (SIFT: "Deleterious"; PolyPhen-2: "Not Available"; Align-GVGD: "Class C0").

NM_001164508.2(NEB):c.24589A>G (p.Lys8197Glu)

Genes: NEB (nebulin; minus strand), RIF1 (replication timing regulatory factor 1; plus strand). Cytogenetic location: 2q23.3.
Variant type: single nucleotide variant.
Coding change: c.24589A>G on transcript NM_001164508.2 (MANE Select); coding-DNA position 24589, A replaced by G.
Protein change: p.Lys8197Glu; replaces lysine 8197 with glutamic acid.
Molecular consequence: missense variant.
Genome position (GRCh38, 1-based): chr2:151,493,858, T>C on the plus strand (A>G on the coding strand, the complement: NEB is on the minus strand). VCF-style: chr2-151493858-T-C. GRCh37 (hg19) VCF-style: chr2-152350372-T-C.
Other names: c.24589A>G, p.Lys8197Glu (NM_001164507.2); c.24694A>G, p.Lys8232Glu (NM_001271208.2); c.19021A>G, p.Lys6341Glu (NM_004543.5); short protein forms K6341E, K8197E, K8232E.
Identifiers: ClinVar variation 2189721 (VCV002189721.4), dbSNP rs1464359123, ClinGen allele CA348775709.